The following is an entry in ClinVar:

ClinVar aggregate classification (germline): Likely benign (1 of 4 stars; one submission).

Conditions:
DYRK1B-related disorder. Also called: DYRK1B-related condition.

gnomAD v4.1: 3 of 1,424,520 alleles (0.00021%); highest among the groups gnomAD compares: South Asian, 0.0015%; no homozygotes.

Submission:

PreventionGenetics, part of Exact Sciences
Classification: Likely benign for DYRK1B-related condition. Last evaluated: 2025-04-14. Review status: criteria provided, single submitter. Criteria: ACMG Guidelines, 2015. Collection method: clinical testing. Allele origin: germline.
Comment: This variant is classified as likely benign based on ACMG/AMP sequence variant interpretation guidelines (Richards et al. 2015 PMID: 25741868, with internal and published modifications).

NM_004714.3(DYRK1B):c.1197C>T (p.Ala399=)

Gene: DYRK1B (dual specificity tyrosine phosphorylation regulated kinase 1B; minus strand). Cytogenetic location: 19q13.2.
Variant type: single nucleotide variant.
Coding change: c.1197C>T on transcript NM_004714.3 (MANE Select); coding-DNA position 1197, C replaced by T.
Protein change: p.Ala399=; no amino-acid change (alanine 399 retained).
Molecular consequence: synonymous variant. On other transcripts: intron variant (2).
Genome position (GRCh38, 1-based): chr19:39,826,886, G>A on the plus strand (C>T on the coding strand, the complement: DYRK1B is on the minus strand). VCF-style: chr19-39826886-G-A. GRCh37 (hg19) VCF-style: chr19-40317526-G-A.
Other names: c.1096-19C>T (NM_006483.3); c.1132-19C>T (NM_006484.3).
Identifiers: ClinVar variation 4977100 (VCV004977100.1).
Genomic context (GRCh38, chr19:39,826,886, plus strand): 5'-GCGGGCGGCGGGCTCATACTCCAGCATGCGCAGCACCAGGTCCTGGAAGCGGAGGTAGTC[G>A]GCGGGGCTGTGGCCCGGCTCCCCCGCCCGCCGGCCCCCGGGCCCGCCCGTCTGCACGCCC-3'
Protein context (NP_004705.1, residues 389-409): RRAGEPGHSP[Ala399=]DYLRFQDLVL